The following is an entry in ClinVar:

ClinVar aggregate classification (germline): Likely benign (1 of 4 stars; one submission).

Conditions:
PTPN14-related disorder. Also called: PTPN14-related condition.

gnomAD v4.1: 575 of 1,614,268 alleles (0.036%); highest among the groups gnomAD compares: African/African-American, 0.66%; 1 homozygote.

Submission:

PreventionGenetics, part of Exact Sciences
Classification: Likely benign for PTPN14-related condition. Last evaluated: 2026-07-09. Review status: criteria provided, single submitter. Criteria: ACMG Guidelines, 2015. Collection method: clinical testing. Allele origin: germline.
Comment: This variant is classified as likely benign based on ACMG/AMP sequence variant interpretation guidelines (Richards et al. 2015 PMID: 25741868, with internal and published modifications).

NM_005401.5(PTPN14):c.99C>T (p.Ile33=)

Gene: PTPN14 (protein tyrosine phosphatase non-receptor type 14; minus strand). Cytogenetic location: 1q41.
Variant type: single nucleotide variant.
Coding change: c.99C>T on transcript NM_005401.5 (MANE Select); coding-DNA position 99, C replaced by T.
Protein change: p.Ile33=; no amino-acid change (isoleucine 33 retained).
Molecular consequence: synonymous variant.
Genome position (GRCh38, 1-based): chr1:214,464,705, G>A on the plus strand (C>T on the coding strand, the complement: PTPN14 is on the minus strand). VCF-style: chr1-214464705-G-A. GRCh37 (hg19) VCF-style: chr1-214638048-G-A.
Identifiers: ClinVar variation 4978973 (VCV004978973.1).
Genomic context (GRCh38, chr1:214,464,705, plus strand): 5'-CCTCTGGGCCACAGCCTCCAGGCATTCTTGCCCTGTGCTTTCCACCGACAGCGTGCACTC[G>A]ATAACATTGCTGTCCAGCAGGCGAATCCGTGTGACAAAGCAGTTCTTGCTCAGGACGTTG-3'
Protein context (NP_005392.2, residues 23-43): TRIRLLDSNV[Ile33=]ECTLSVESTG